The following is an entry in ClinVar:

NM_022725.4(FANCF):c.16C>T (p.Gln6Ter)

Gene: FANCF (FA complementation group F; minus strand). Cytogenetic location: 11p14.3.
Variant type: single nucleotide variant.
Coding change: c.16C>T on transcript NM_022725.4 (MANE Select); coding-DNA position 16, C replaced by T.
Protein change: p.Gln6Ter; replaces glutamine 6 with a stop codon.
Molecular consequence: nonsense.
Genome position (GRCh38, 1-based): chr11:22,625,795, G>A on the plus strand (C>T on the coding strand, the complement: FANCF is on the minus strand). VCF-style: chr11-22625795-G-A. GRCh37 (hg19) VCF-style: chr11-22647341-G-A.
Other names: NM_022725.3:c.16C>T; short protein forms Q6*.
Identifiers: ClinVar variation 6342 (VCV000006342.3), dbSNP rs104894221, ClinGen allele CA253844.
Genomic context (GRCh38, chr11:22,625,795, plus strand): 5'-AGGTGCTGACGTAGGTAGTGCTTGAGACCGCCAGAAGCTCGGAAAAGCGATCCAGGTGCT[G>A]CAGAAGGGATTCCATGAGGTGCGCGAAGGCCCTACTTCCGCTTTCACCTTGGAGACGGCG-3'

ClinVar aggregate classification (germline): Pathogenic. Review status: no assertion criteria provided (0 of 4 stars). 2 submissions from 2 submitters: Pathogenic (2). Last evaluated 2011-02-07.

Conditions:
Fanconi anemia complementation group F. Also called: FANCF-Related Fanconi Anemia. Identifiers: Orphanet 84, MedGen C3469526, MONDO:0011325, OMIM 603467.

Allele frequency attached by ClinVar (database versions not stated): TOPMed below 0.00001.

Submissions (2):

Leiden Open Variation Database
Classification: Pathogenic for Fanconi anemia complementation group F. Last evaluated: 2011-02-07. Review status: no assertion criteria provided. Collection method: curation. Allele origin: germline. Affected: yes.
Comment: Curator: Arleen D. Auerbach. Submitter to LOVD: Johan de Winter.

OMIM
Classification: Pathogenic for FANCONI ANEMIA, COMPLEMENTATION GROUP F. Last evaluated: 2000-01-01. Review status: no assertion criteria provided. Collection method: literature only. Allele origin: germline.

Literature cited by the submitters: PubMed 10615118 (cited by Leiden Open Variation Database and OMIM).